The following is an entry in ClinVar:

NM_018418.5(SPATA7):c.487A>T (p.Lys163Ter)

Gene: SPATA7 (spermatogenesis associated 7; plus strand). Cytogenetic location: 14q31.3.
Variant type: single nucleotide variant.
Coding change: c.487A>T on transcript NM_018418.5 (MANE Select); coding-DNA position 487, A replaced by T.
Protein change: p.Lys163Ter; replaces lysine 163 with a stop codon.
Molecular consequence: nonsense.
Genome position (GRCh38, 1-based): chr14:88,426,346, A>T. VCF-style: chr14-88426346-A-T. GRCh37 (hg19) VCF-style: chr14-88892690-A-T.
Other names: c.391A>T, p.Lys131Ter (NM_001040428.4); short protein forms K131*, K163*.
Identifiers: ClinVar variation 3249373 (VCV003249373.3).
Genomic context (GRCh38, chr14:88,426,346, plus strand): 5'-TTTTCATCCTTTGCAAGGTCACTAGTACCCTCTTCAGAGAGACTACACCTAAGTCTACAT[A>T]AATCCAGTAAAGTCATCACAAATGGTCCTGAGAAGAACTCCAGTTCCTCCCCGTCCAGTG-3'

ClinVar aggregate classification (germline): Pathogenic. Review status: criteria provided, multiple submitters, no conflicts (2 of 4 stars). 3 submissions from 3 submitters: Pathogenic (3). Last evaluated 2025-11-08.

Conditions:
Retinal dystrophy. Also called: Inherited retinal dystrophy. Identifiers: Orphanet 71862, MedGen C0854723, MeSH D058499, MONDO:0019118, HP:0000556.
Leber congenital amaurosis 3 (LCA3). Also called: SPATA7-Related Retinitis Pigmentosa. Identifiers: MedGen C1858677, MONDO:0011415, OMIM 604232.
SPATA7-related disorder. Also called: SPATA7-related condition; SPATA7-related disorders. Identifiers: MedGen CN239422.

gnomAD v4.1: 2 of 1,614,148 alleles (0.00012%); highest among the groups gnomAD compares: Non-Finnish European, 0.00017%; no homozygotes.

Submissions (3):

Labcorp Genetics (formerly Invitae), Labcorp
Classification: Pathogenic for Leber congenital amaurosis 3. Last evaluated: 2025-11-08. Review status: criteria provided, single submitter. Criteria: Invitae Variant Classification Sherloc (09022015). Collection method: clinical testing. Allele origin: germline.
Comment: This sequence change creates a premature translational stop signal (p.Lys163*) in the SPATA7 gene. It is expected to result in an absent or disrupted protein product. Loss-of-function variants in SPATA7 are known to be pathogenic (PMID: 19268277, 22334370, 23847139, 26047050, 26261414). This variant is not present in population databases (gnomAD no frequency). This premature translational stop signal has been observed in individual(s) with inherited retinal disease and/or Leber congenital amaurosis (PMID: 25412400, 36460718). ClinVar contains an entry for this variant (Variation ID: 3249373). For these reasons, this variant has been classified as Pathogenic.

Institute of Human Genetics, Univ. Regensburg, Univ. Regensburg
Classification: Pathogenic for Retinal dystrophy. Last evaluated: 2022-01-01. Review status: criteria provided, single submitter. Criteria: ACMG Guidelines, 2015. Collection method: clinical testing. Allele origin: germline. Affected: yes.

Blueprint Genetics
Classification: Pathogenic for SPATA7-related disorders. Last evaluated: 2020-08-17. Review status: criteria provided, single submitter. Criteria: ACMG Guidelines, 2015. Collection method: clinical testing. Allele origin: germline. Affected: yes. Observed: 3 variant alleles.

Literature cited by the submitters: PubMed 19268277 (cited by Labcorp Genetics (formerly Invitae), Labcorp); PubMed 22334370 (cited by Labcorp Genetics (formerly Invitae), Labcorp); PubMed 23847139 (cited by Labcorp Genetics (formerly Invitae), Labcorp); PubMed 26047050 (cited by Labcorp Genetics (formerly Invitae), Labcorp); PubMed 26261414 (cited by Labcorp Genetics (formerly Invitae), Labcorp); PubMed 25412400 (cited by Labcorp Genetics (formerly Invitae), Labcorp and Institute of Human Genetics, Univ. Regensburg, Univ. Regensburg); PubMed 36460718 (cited by Labcorp Genetics (formerly Invitae), Labcorp); PubMed 3646071 (cited by Institute of Human Genetics, Univ. Regensburg, Univ. Regensburg).